The following is an entry in ClinVar:

NM_198525.3(KIF7):c.3452G>A (p.Arg1151His)

Genes: KIF7 (kinesin family member 7; minus strand), LOC126862216 (BRD4-independent group 4 enhancer GRCh37_chr15:90171995-90173194; plus strand). Cytogenetic location: 15q26.1.
Variant type: single nucleotide variant.
Coding change: c.3452G>A on transcript NM_198525.3 (MANE Select); coding-DNA position 3452, G replaced by A.
Protein change: p.Arg1151His; replaces arginine 1151 with histidine.
Molecular consequence: missense variant.
Genome position (GRCh38, 1-based): chr15:89,629,440, C>T on the plus strand (G>A on the coding strand, the complement: KIF7 is on the minus strand). VCF-style: chr15-89629440-C-T. GRCh37 (hg19) VCF-style: chr15-90172671-C-T.
Other names: short protein forms R1151H.
Identifiers: ClinVar variation 3578032 (VCV003578032.3).
Genomic context (GRCh38, chr15:89,629,440, plus strand): 5'-CTCTGCTGCAGGAGCAGCTGCATGTTCTGCTCGTGCTCCTTCTGCTGCAGGGTCAGCTGG[C>T]GGTCCATCTCCAGGCGCTGCCGCTCCAGGGCCACCTCCAGCCAGTACACCAGCCTCTGCT-3'
Protein context (NP_940927.2, residues 1141-1161): ALERQRLEMD[Arg1151His]QLTLQQKEHE

ClinVar aggregate classification (germline): Uncertain significance. Review status: criteria provided, multiple submitters, no conflicts (2 of 4 stars). 2 submissions from 2 submitters: Uncertain significance (2). Last evaluated 2024-03-26.

Conditions:
Acrocallosal syndrome (ACLS). Also called: HALLUX DUPLICATION, POSTAXIAL POLYDACTYLY, AND ABSENCE OF CORPUS CALLOSUM; Schinzel syndrome 1; Absence of corpus callosum with unusual facial appearance, mental deficiency, duplication of the halluces and polydactyly. Identifiers: Orphanet 36, MedGen C0796147, MONDO:0008708, OMIM 200990.
Hydrolethalus syndrome 2 (HLS2). Identifiers: Orphanet 2189, MedGen C3279899, MONDO:0013585, OMIM 614120.
Multiple epiphyseal dysplasia, Al-Gazali type. Also called: Macrocephaly with multiple epiphyseal dysplasia and distinctive facies. Identifiers: Orphanet 166024, MedGen C1846722, MONDO:0011778, OMIM 607131.

gnomAD v4.1: 7 of 1,608,776 alleles (0.00044%); highest among the groups gnomAD compares: East Asian, 0.0022%; no homozygotes.

Submissions (2):

Labcorp Genetics (formerly Invitae), Labcorp
Classification: Uncertain significance for Acrocallosal syndrome. Last evaluated: 2024-03-26. Review status: criteria provided, single submitter. Criteria: Invitae Variant Classification Sherloc (09022015). Collection method: clinical testing. Allele origin: germline.
Comment: This sequence change replaces arginine, which is basic and polar, with histidine, which is basic and polar, at codon 1151 of the KIF7 protein (p.Arg1151His). This variant is not present in population databases (gnomAD no frequency). This variant has not been reported in the literature in individuals affected with KIF7-related conditions. Advanced modeling of protein sequence and biophysical properties (such as structural, functional, and spatial information, amino acid conservation, physicochemical variation, residue mobility, and thermodynamic stability) has been performed at Invitae for this missense variant, however the output from this modeling did not meet the statistical confidence thresholds required to predict the impact of this variant on KIF7 protein function. In summary, the available evidence is currently insufficient to determine the role of this variant in disease. Therefore, it has been classified as a Variant of Uncertain Significance.

Fulgent Genetics
Classification: Uncertain significance for Acrocallosal syndrome; Multiple epiphyseal dysplasia, Al-Gazali type; Hydrolethalus syndrome 2. Last evaluated: 2024-02-29. Review status: criteria provided, single submitter. Criteria: ACMG Guidelines, 2015. Collection method: clinical testing. Allele origin: germline.